The following is an entry in ClinVar:

NM_001080467.3(MYO5B):c.1404G>A (p.Ser468=)

Gene: MYO5B (myosin VB; minus strand). Cytogenetic location: 18q21.1.
Variant type: single nucleotide variant.
Coding change: c.1404G>A on transcript NM_001080467.3 (MANE Select); coding-DNA position 1404, G replaced by A.
Protein change: p.Ser468=; no amino-acid change (serine 468 retained).
Molecular consequence: synonymous variant.
Genome position (GRCh38, 1-based): chr18:49,962,949, C>T on the plus strand (G>A on the coding strand, the complement: MYO5B is on the minus strand). VCF-style: chr18-49962949-C-T. GRCh37 (hg19) VCF-style: chr18-47489319-C-T.
Other names: c.1404G>A (NM_001080467.2).
Identifiers: ClinVar variation 1383089 (VCV001383089.8), dbSNP rs754398498, ClinGen allele CA8961551.

ClinVar aggregate classification (germline): Uncertain significance. Review status: criteria provided, multiple submitters, no conflicts (2 of 4 stars). 5 submissions from 5 submitters: Uncertain significance (5). Last evaluated 2025-03-20.

Conditions:
MYO5B-related disorder. Also called: MYO5B-related condition.
Cholestasis, progressive familial intrahepatic, 10 (PFIC10). Identifiers: MedGen C5676981, MONDO:0030810, OMIM 619868.

Allele frequency attached by ClinVar (database versions not stated): ExAC 0.00001; gnomAD exomes 0.00001.

Submissions (5):

3billion
Classification: Uncertain significance for Cholestasis, progressive familial intrahepatic, 10. Last evaluated: 2025-03-20. Review status: criteria provided, single submitter. Criteria: ACMG Guidelines, 2015. Collection method: clinical testing. Allele origin: germline. Affected: yes.

Labcorp Genetics (formerly Invitae), Labcorp
Classification: Uncertain significance. Last evaluated: 2024-10-07. Review status: criteria provided, single submitter. Criteria: Invitae Variant Classification Sherloc (09022015). Collection method: clinical testing. Allele origin: germline.
Comment: This sequence change affects codon 468 of the MYO5B mRNA. It is a 'silent' change, meaning that it does not change the encoded amino acid sequence of the MYO5B protein. This variant also falls at the last nucleotide of exon 11, which is part of the consensus splice site for this exon. This variant is present in population databases (rs754398498, gnomAD 0.003%). This variant has been observed in individual(s) with clinical features of microvillous inclusion disease (internal data). In at least one individual the data is consistent with being in trans (on the opposite chromosome) from a pathogenic variant. ClinVar contains an entry for this variant (Variation ID: 1383089). Variants that disrupt the consensus splice site are a relatively common cause of aberrant splicing (PMID: 17576681, 9536098). Algorithms developed to predict the effect of sequence changes on RNA splicing suggest that this variant may disrupt the consensus splice site. In summary, the available evidence is currently insufficient to determine the role of this variant in disease. Therefore, it has been classified as a Variant of Uncertain Significance.

Blueprint Genetics
Classification: Uncertain significance. Last evaluated: 2023-07-28. Review status: criteria provided, single submitter. Criteria: ACMG Guidelines, 2015. Collection method: clinical testing. Allele origin: germline.

PreventionGenetics, part of Exact Sciences
Classification: Uncertain significance for MYO5B-related condition. Last evaluated: 2023-02-28. Review status: criteria provided, single submitter. Criteria: ACMG Guidelines, 2015. Collection method: clinical testing. Allele origin: germline.
Comment: The MYO5B c.1404G>A variant is not predicted to result in an amino acid change (p.=). To our knowledge, this variant has not been reported in the literature. This variant does not change amino acid sequence, however it occurs in the last nucleotide of exon 11 and is predicted to affect donor splice site (Alamut Visual Plus v1.16.1). This variant is reported in 0.0033% of alleles in individuals of South Asian descent in gnomAD. At this time, the clinical significance of this variant is uncertain due to the absence of conclusive functional and genetic evidence.

Revvity Omics, Revvity
Classification: Uncertain significance. Last evaluated: 2020-03-17. Review status: criteria provided, single submitter. Criteria: ACMG Guidelines, 2015. Collection method: clinical testing. Allele origin: germline.

Literature cited by the submitters: PubMed 17576681 (cited by Labcorp Genetics (formerly Invitae), Labcorp); PubMed 9536098 (cited by Labcorp Genetics (formerly Invitae), Labcorp).